The following is an entry in ClinVar:

ClinVar aggregate classification (germline): Uncertain significance (1 of 4 stars; one submission).

Conditions:
Inborn genetic diseases. Identifiers: MedGen C0950123, MeSH D030342.

Submission:

Ambry Genetics
Classification: Uncertain significance for Inborn genetic diseases. Last evaluated: 2026-07-13. Review status: criteria provided, single submitter. Criteria: Ambry Variant Classification Scheme 2023. Collection method: clinical testing. Allele origin: germline.
Comment: The p.D720E variant (also known as c.2160C>G), located in coding exon 24 of the FANCA gene, results from a C to G substitution at nucleotide position 2160. The aspartic acid at codon 720 is replaced by glutamic acid, an amino acid with highly similar properties. This amino acid position is conserved. In addition, the in silico prediction for this alteration is inconclusive. Based on the available evidence, the clinical significance of this variant remains unclear.

NM_000135.4(FANCA):c.2160C>G (p.Asp720Glu)

Gene: FANCA (FA complementation group A; minus strand). Cytogenetic location: 16q24.3.
Variant type: single nucleotide variant.
Coding change: c.2160C>G on transcript NM_000135.4 (MANE Select); coding-DNA position 2160, C replaced by G.
Protein change: p.Asp720Glu; replaces aspartic acid 720 with glutamic acid.
Molecular consequence: missense variant.
Genome position (GRCh38, 1-based): chr16:89,770,626, G>C on the plus strand (C>G on the coding strand, the complement: FANCA is on the minus strand). VCF-style: chr16-89770626-G-C. GRCh37 (hg19) VCF-style: chr16-89837034-G-C.
Other names: c.2160C>G, p.Asp720Glu (NM_001286167.3); short protein forms D720E.
Identifiers: ClinVar variation 5036353 (VCV005036353.1).
Genomic context (GRCh38, chr16:89,770,626, plus strand): 5'-CTCCGGGGGAGCGACACTGGAGGCAGCCATCAGGTTCTGACAGAAAGACGTCAGCAGGAG[G>C]TCCACAGCCTGCAGAGACACAGTTCTCATGAGCGTGGTGTCCTGGGGACGGGAGCAGCAG-3'
Protein context (NP_000126.2, residues 710-730): RLEPREHMAV[Asp720Glu]LLLTSFCQNL